The following is an entry in ClinVar:

ClinVar aggregate classification (germline): Uncertain significance (1 of 4 stars; one submission).

Allele frequency attached by ClinVar (database versions not stated): gnomAD exomes below 0.00001; ExAC 0.00001; gnomAD 0.00003; TOPMed 0.00004.
gnomAD v4.1: 6 of 1,613,034 alleles (0.00037%); highest among the groups gnomAD compares: African/African-American, 0.008%; no homozygotes.

Submission:

Ambry Genetics
Classification: Uncertain significance. Last evaluated: 2022-11-17. Review status: criteria provided, single submitter. Criteria: Ambry Variant Classification Scheme 2023. Collection method: clinical testing. Allele origin: germline.
Comment: The p.V339A variant (also known as c.1016T>C), located in coding exon 9 of the RAD54L gene, results from a T to C substitution at nucleotide position 1016. The valine at codon 339 is replaced by alanine, an amino acid with similar properties. This amino acid position is conserved. In addition, this alteration is predicted to be deleterious by in silico analysis. Since supporting evidence is limited at this time, the clinical significance of this alteration remains unclear.

NM_003579.4(RAD54L):c.1016T>C (p.Val339Ala)

Gene: RAD54L (RAD54 like; plus strand). Cytogenetic location: 1p34.1.
Variant type: single nucleotide variant.
Coding change: c.1016T>C on transcript NM_003579.4 (MANE Select); coding-DNA position 1016, T replaced by C.
Protein change: p.Val339Ala; replaces valine 339 with alanine.
Molecular consequence: missense variant.
Genome position (GRCh38, 1-based): chr1:46,267,583, T>C. VCF-style: chr1-46267583-T-C. GRCh37 (hg19) VCF-style: chr1-46733255-T-C.
Other names: c.1016T>C, p.Val339Ala (NM_001142548.2); c.476T>C, p.Val159Ala (NM_001370766.1); short protein forms V159A, V339A.
Identifiers: ClinVar variation 2464938 (VCV002464938.2), dbSNP rs746152916, ClinGen allele CA834441.